The following is an entry in ClinVar:

NM_000061.3(BTK):c.1399C>T (p.Gln467Ter)

Gene: BTK (Bruton tyrosine kinase; minus strand). Cytogenetic location: Xq22.1.
Variant type: single nucleotide variant.
Coding change: c.1399C>T on transcript NM_000061.3 (MANE Select); coding-DNA position 1399, C replaced by T.
Protein change: p.Gln467Ter; replaces glutamine 467 with a stop codon.
Molecular consequence: nonsense. On other transcripts: intron variant (1).
Genome position (GRCh38, 1-based): chrX:101,356,219, G>A on the plus strand (C>T on the coding strand, the complement: BTK is on the minus strand). VCF-style: chrX-101356219-G-A. GRCh37 (hg19) VCF-style: chrX-100611207-G-A.
Other names: c.1501C>T, p.Gln501Ter (NM_001287344.2); c.1039-1525C>T (NM_001287345.2); short protein forms Q501*, Q467*.
Identifiers: ClinVar variation 1454235 (VCV001454235.6), dbSNP rs2147427505, ClinGen allele CA413924349.

ClinVar aggregate classification (germline): Pathogenic (1 of 4 stars; one submission).

Conditions:
X-linked agammaglobulinemia with growth hormone deficiency (IGHD3). Also called: ISOLATED GROWTH HORMONE DEFICIENCY, TYPE III, WITH AGAMMAGLOBULINEMIA; FLEISHER SYNDROME; HYPOGAMMAGLOBULINEMIA AND ISOLATED GROWTH HORMONE DEFICIENCY, X-LINKED; IGHD III; AGAMMAGLOBULINEMIA AND ISOLATED GROWTH HORMONE DEFICIENCY, X-LINKED; Isolated growth hormone deficiency type 3. Identifiers: Orphanet 231692, Orphanet 631, MedGen C0472813, MONDO:0010615, OMIM 307200.

Submission:

Labcorp Genetics (formerly Invitae), Labcorp
Classification: Pathogenic for X-linked agammaglobulinemia with growth hormone deficiency. Last evaluated: 2021-03-25. Review status: criteria provided, single submitter. Criteria: Invitae Variant Classification Sherloc (09022015). Collection method: clinical testing. Allele origin: germline.
Comment: This variant is not present in population databases (ExAC no frequency). For these reasons, this variant has been classified as Pathogenic. This variant has not been reported in the literature in individuals with BTK-related conditions. This sequence change creates a premature translational stop signal (p.Gln467*) in the BTK gene. It is expected to result in an absent or disrupted protein product. Loss-of-function variants in BTK are known to be pathogenic (PMID: 15661032, 16862044, 19419768).

Literature cited by the submitters: PubMed 15661032; PubMed 16862044; PubMed 19419768.